The following is an entry in ClinVar:

ClinVar aggregate classification (germline): Uncertain significance (1 of 4 stars; one submission).

Conditions:
Inborn genetic diseases. Identifiers: MedGen C0950123, MeSH D030342.

gnomAD v4.1: 1 of 1,613,522 alleles (0.000062%); highest among the groups gnomAD compares: South Asian, 0.0011%; no homozygotes.

Submission:

Ambry Genetics
Classification: Uncertain significance for Inborn genetic diseases. Last evaluated: 2025-03-01. Review status: criteria provided, single submitter. Criteria: Ambry Variant Classification Scheme 2023. Collection method: clinical testing. Allele origin: germline.
Comment: The p.D1218V variant (also known as c.3653A>T), located in coding exon 1 of the SAMD9 gene, results from an A to T substitution at nucleotide position 3653. The aspartic acid at codon 1218 is replaced by valine, an amino acid with highly dissimilar properties. This amino acid position is conserved. In addition, this alteration is predicted to be tolerated by in silico analysis. Based on the available evidence, the clinical significance of this variant remains unclear.

NM_017654.4(SAMD9):c.3653A>T (p.Asp1218Val)

Gene: SAMD9 (sterile alpha motif domain containing 9; minus strand). Cytogenetic location: 7q21.2.
Variant type: single nucleotide variant.
Coding change: c.3653A>T on transcript NM_017654.4 (MANE Select); coding-DNA position 3653, A replaced by T.
Protein change: p.Asp1218Val; replaces aspartic acid 1218 with valine.
Molecular consequence: missense variant.
Genome position (GRCh38, 1-based): chr7:93,102,445, T>A on the plus strand (A>T on the coding strand, the complement: SAMD9 is on the minus strand). VCF-style: chr7-93102445-T-A. GRCh37 (hg19) VCF-style: chr7-92731758-T-A.
Other names: c.3653A>T, p.Asp1218Val (NM_001193307.2); short protein forms D1218V.
Identifiers: ClinVar variation 3792136 (VCV003792136.1).
Genomic context (GRCh38, chr7:93,102,445, plus strand): 5'-ATATCACTACTTCCTGATACAAAATTGACCATATATCTTTTAGATAGCTCATTTTTATTA[T>A]CAAAAAAAGGAATGAGCTGGAGAATTTGGATTGTGTAAAGCCCAACTTCTATCTCTCCTT-3'
Protein context (NP_060124.2, residues 1208-1228): IQILQLIPFF[Asp1218Val]NKNELSKRYM